The following is an entry in ClinVar:

NM_015073.3(SIPA1L3):c.4789G>C (p.Val1597Leu)

Gene: SIPA1L3 (signal induced proliferation associated 1 like 3; plus strand). Cytogenetic location: 19q13.13.
Variant type: single nucleotide variant.
Coding change: c.4789G>C on transcript NM_015073.3 (MANE Select); coding-DNA position 4789, G replaced by C.
Protein change: p.Val1597Leu; replaces valine 1597 with leucine.
Molecular consequence: missense variant.
Genome position (GRCh38, 1-based): chr19:38,193,729, G>C. VCF-style: chr19-38193729-G-C. GRCh37 (hg19) VCF-style: chr19-38684369-G-C.
Other names: short protein forms V1597L.
Identifiers: ClinVar variation 3954745 (VCV003954745.2).

ClinVar aggregate classification (germline): Uncertain significance. Review status: criteria provided, multiple submitters, no conflicts (2 of 4 stars). 2 submissions from 2 submitters: Uncertain significance (2). Last evaluated 2025-06-07.

gnomAD v4.1: 3 of 1,567,508 alleles (0.00019%); highest among the groups gnomAD compares: African/African-American, 0.0027%; no homozygotes.

Submissions (2):

Ambry Genetics
Classification: Uncertain significance. Last evaluated: 2025-06-07. Review status: criteria provided, single submitter. Criteria: Ambry Variant Classification Scheme 2023. Collection method: clinical testing. Allele origin: germline.

Labcorp Genetics (formerly Invitae), Labcorp
Classification: Uncertain significance. Last evaluated: 2025-05-22. Review status: criteria provided, single submitter. Criteria: Invitae Variant Classification Sherloc (09022015). Collection method: clinical testing. Allele origin: germline.
Comment: This sequence change replaces valine, which is neutral and non-polar, with leucine, which is neutral and non-polar, at codon 1597 of the SIPA1L3 protein (p.Val1597Leu). This variant is not present in population databases (gnomAD no frequency). This variant has not been reported in the literature in individuals affected with SIPA1L3-related conditions. An algorithm developed to predict the effect of missense changes on protein structure and function (PolyPhen-2) suggests that this variant is likely to be tolerated. In summary, the available evidence is currently insufficient to determine the role of this variant in disease. Therefore, it has been classified as a Variant of Uncertain Significance.